The following is an entry in ClinVar:

ClinVar aggregate classification (germline): Uncertain significance (1 of 4 stars; one submission).

gnomAD v4.1: 15 of 1,593,610 alleles (0.00094%); highest among the groups gnomAD compares: Admixed American, 0.0017%; no homozygotes.

Submission:

Ambry Genetics
Classification: Uncertain significance. Last evaluated: 2025-07-28. Review status: criteria provided, single submitter. Criteria: Ambry Variant Classification Scheme 2023. Collection method: clinical testing. Allele origin: germline.
Comment: The p.I1919M variant (also known as c.5757C>G), located in coding exon 23 of the WNK2 gene, results from a C to G substitution at nucleotide position 5757. The isoleucine at codon 1919 is replaced by methionine, an amino acid with highly similar properties. This amino acid position is conserved. In addition, the in silico prediction for this alteration is inconclusive. Based on the available evidence, the clinical significance of this variant remains unclear.

NM_006648.4(WNK2):c.5757C>G (p.Ile1919Met)

Gene: WNK2 (WNK lysine deficient protein kinase 2; plus strand). Cytogenetic location: 9q22.31.
Variant type: single nucleotide variant.
Coding change: c.5757C>G on transcript NM_006648.4 (MANE Select); coding-DNA position 5757, C replaced by G.
Protein change: p.Ile1919Met; replaces isoleucine 1919 with methionine.
Molecular consequence: missense variant.
Genome position (GRCh38, 1-based): chr9:93,297,901, C>G. VCF-style: chr9-93297901-C-G. GRCh37 (hg19) VCF-style: chr9-96060183-C-G.
Other names: c.5868C>G, p.Ile1956Met (NM_001282394.3); short protein forms I1919M, I1956M.
Identifiers: ClinVar variation 4201668 (VCV004201668.1).